The following is an entry in ClinVar:

NM_001943.5(DSG2):c.472G>A (p.Val158Met)

Gene: DSG2 (desmoglein 2; plus strand). Cytogenetic location: 18q12.1.
Variant type: single nucleotide variant.
Coding change: c.472G>A on transcript NM_001943.5 (MANE Select); coding-DNA position 472, G replaced by A.
Protein change: p.Val158Met; replaces valine 158 with methionine.
Molecular consequence: missense variant.
Genome position (GRCh38, 1-based): chr18:31,521,192, G>A. VCF-style: chr18-31521192-G-A. GRCh37 (hg19) VCF-style: chr18-29101155-G-A.
Other names: short protein forms V158M.
Identifiers: ClinVar variation 1172349 (VCV001172349.3), dbSNP rs2144316316, ClinGen allele CA402132253.

ClinVar aggregate classification (germline): Uncertain significance (1 of 4 stars; one submission).

Conditions:
Cardiomyopathy (CMYO). Also called: Cardiomyopathies. Identifiers: Orphanet 167848, MedGen C0878544, MONDO:0004994, HP:0001638. Inheritance: Various modes of inheritance.

gnomAD v4.1: 1 of 1,613,476 alleles (0.000062%); highest among the groups gnomAD compares: Non-Finnish European, 0.000085%; no homozygotes.

Submission:

Color Diagnostics, LLC DBA Color Health
Classification: Uncertain significance for Cardiomyopathy. Last evaluated: 2024-03-06. Review status: criteria provided, single submitter. Criteria: ACMG Guidelines, 2015. Collection method: clinical testing. Allele origin: germline.
Comment: This missense variant replaces valine with methionine at codon 158 of the DSG2 protein. Computational prediction suggests that this variant may not impact protein structure and function (internally defined REVEL score threshold <= 0.5, PMID: 27666373). To our knowledge, functional studies have not been reported for this variant. This variant has not been reported in individuals affected with cardiovascular disorders in the literature. This variant has not been identified in the general population by the Genome Aggregation Database (gnomAD). The available evidence is insufficient to determine the role of this variant in disease conclusively. Therefore, this variant is classified as a Variant of Uncertain Significance.